The following is an entry in ClinVar:

ClinVar aggregate classification (germline): Conflicting classifications of pathogenicity. Review status: criteria provided, conflicting classifications (1 of 4 stars). 5 submissions from 5 submitters: Likely pathogenic (2); Uncertain significance (3). Last evaluated 2026-02-17.

Conditions:
SUCLA2-related disorder. Also called: SUCLA2-related condition.
Inborn genetic diseases. Identifiers: MedGen C0950123, MeSH D030342.
Mitochondrial DNA depletion syndrome, encephalomyopathic form with methylmalonic aciduria (MTDPS5). Also called: Mitochondrial encephalomyopathy aminoacidopathy; MITOCHONDRIAL DNA DEPLETION SYNDROME, ENCEPHALOMYOPATHIC FORM, WITH OR WITHOUT METHYLMALONIC ACIDURIA, AUTOSOMAL RECESSIVE, SUCLA2-RELATED; Mitochondrial DNA depletion syndrome 5 (encephalomyopathic with or without methylmalonic aciduria); SUCLA2-Related Mitochondrial DNA Depletion Syndrome, Encephalomyopathic Form with Methylmalonic Aciduria. Identifiers: Orphanet 1933, MedGen C5980207, MONDO:0012791, OMIM 612073.

Allele frequency attached by ClinVar (database versions not stated): ExAC 0.00011; TOPMed 0.00014; ESP Exome Variant Server 0.00015; gnomAD 0.00021 and 0.00022.

Submissions (5):

Women's Health and Genetics/Laboratory Corporation of America, LabCorp
Classification: Uncertain significance. Last evaluated: 2026-02-17. Review status: criteria provided, single submitter. Criteria: LabCorp Variant Classification Summary - May 2015. Collection method: clinical testing. Allele origin: germline.
Comment: Variant summary: SUCLA2 c.1220G>T (p.Arg407Leu) results in a non-conservative amino acid change located in the ATP-citrate synthase/succinyl-CoA ligase, C-terminal domain (IPR005811) of the encoded protein sequence. Algorithms developed to predict the effect of missense changes on protein structure and function all suggest that this variant is likely to be disruptive. The variant allele was found at a frequency of 8.8e-05 in 251206 control chromosomes. This frequency is not significantly higher than estimated for disease-causing variants in SUCLA2, allowing no conclusion about variant significance. To our knowledge, no occurrence of c.1220G>T in individuals affected with SUCLA2-related conditions and no experimental evidence demonstrating its impact on protein function have been reported. ClinVar contains an entry for this variant (Variation ID: 203962). Based on the evidence outlined above, the variant was classified as uncertain significance.

Labcorp Genetics (formerly Invitae), Labcorp
Classification: Uncertain significance for Mitochondrial DNA depletion syndrome, encephalomyopathic form with methylmalonic aciduria. Last evaluated: 2024-01-22. Review status: criteria provided, single submitter. Criteria: Invitae Variant Classification Sherloc (09022015). Collection method: clinical testing. Allele origin: germline.
Comment: This sequence change replaces arginine, which is basic and polar, with leucine, which is neutral and non-polar, at codon 407 of the SUCLA2 protein (p.Arg407Leu). This variant is present in population databases (rs141295770, gnomAD 0.02%). This variant has not been reported in the literature in individuals affected with SUCLA2-related conditions. ClinVar contains an entry for this variant (Variation ID: 203962). Advanced modeling of protein sequence and biophysical properties (such as structural, functional, and spatial information, amino acid conservation, physicochemical variation, residue mobility, and thermodynamic stability) performed at Invitae indicates that this missense variant is expected to disrupt SUCLA2 protein function with a positive predictive value of 80%. This variant disrupts the p.Arg407 amino acid residue in SUCLA2. Other variant(s) that disrupt this residue have been determined to be pathogenic (PMID: 26475597, 27651038, 33231368). This suggests that this residue is clinically significant, and that variants that disrupt this residue are likely to be disease-causing. In summary, the available evidence is currently insufficient to determine the role of this variant in disease. Therefore, it has been classified as a Variant of Uncertain Significance.

Blueprint Genetics
Classification: Likely pathogenic for SUCLA2-related disorders. Last evaluated: 2023-03-08. Review status: criteria provided, single submitter. Criteria: ACMG Guidelines, 2015. Collection method: clinical testing. Allele origin: germline. Affected: yes. Observed: 5 variant alleles.

Ambry Genetics
Classification: Uncertain significance for Inborn genetic diseases. Last evaluated: 2022-12-28. Review status: criteria provided, single submitter. Criteria: Ambry Variant Classification Scheme 2023. Collection method: clinical testing. Allele origin: germline.

GeneDx
Classification: Likely pathogenic. Last evaluated: 2012-11-15. Review status: criteria provided, single submitter. Criteria: GeneDx Variant Classification (06012015). Collection method: clinical testing. Allele origin: germline. Affected: yes.
Comment: p.Arg407Leu (CGG>CTG):c.1220 G>T in exon 9 of the SUCLA2 gene (NM_003850.2) A R407L missense change that is likely disease causing was identified in the SUCLA2 gene. It has not been published as a mutation, nor has it been reported as a benign polymorphism to our knowledge. The amino acid change is non conservative in that a positively charged Arginine residue is replaced by an uncharged Leucine residue. This change occurs at a highly conserved position in the SUCLA2 protein, and multiple in silico analysis models predict that R407L is damaging to the SUCLA2 protein. Therefore, R407L is a strong candidate for a disease causing mutation, however the possibility that it is a benign variant cannot be excluded. The variant is found in MITONUC-MITOP panel(s).

Literature cited by the submitters: PubMed 26475597 (cited by Labcorp Genetics (formerly Invitae), Labcorp); PubMed 27651038 (cited by Labcorp Genetics (formerly Invitae), Labcorp); PubMed 33231368 (cited by Labcorp Genetics (formerly Invitae), Labcorp).

NM_003850.3(SUCLA2):c.1220G>T (p.Arg407Leu)

Gene: SUCLA2 (succinate-CoA ligase ADP-forming subunit beta; minus strand). Cytogenetic location: 13q14.2.
Variant type: single nucleotide variant.
Coding change: c.1220G>T on transcript NM_003850.3 (MANE Select); coding-DNA position 1220, G replaced by T.
Protein change: p.Arg407Leu; replaces arginine 407 with leucine.
Molecular consequence: missense variant.
Genome position (GRCh38, 1-based): chr13:47,949,491, C>A on the plus strand (G>T on the coding strand, the complement: SUCLA2 is on the minus strand). VCF-style: chr13-47949491-C-A. GRCh37 (hg19) VCF-style: chr13-48523626-C-A.
Other names: p.R407L:CGG>CTG; short protein forms R407L.
Identifiers: ClinVar variation 203962 (VCV000203962.11), dbSNP rs141295770, ClinGen allele CA313032.